The following is an entry in ClinVar:

ClinVar aggregate classification (germline): Likely benign (1 of 4 stars; one submission).

gnomAD v4.1: 2 of 1,610,254 alleles (0.00012%); highest among the groups gnomAD compares: Non-Finnish European, 0.00017%; no homozygotes.

Submission:

CeGaT Center for Human Genetics Tuebingen
Classification: Likely benign. Last evaluated: 2023-01-01. Review status: criteria provided, single submitter. Criteria: CeGaT Center For Human Genetics Tuebingen Variant Classification Criteria Version 2. Collection method: clinical testing. Allele origin: germline. Affected: yes. Observed: 1 variant allele.
Comment: BUD23: PM2:Supporting, BP4, BP7

NM_017528.5(BUD23):c.6G>A (p.Ala2=)

Gene: BUD23 (BUD23 rRNA methyltransferase and ribosome maturation factor; plus strand). Cytogenetic location: 7q11.23.
Variant type: single nucleotide variant.
Coding change: c.6G>A on transcript NM_017528.5 (MANE Select); coding-DNA position 6, G replaced by A.
Protein change: p.Ala2=; no amino-acid change (alanine 2 retained).
Molecular consequence: synonymous variant. On other transcripts: non-coding transcript variant (2).
Genome position (GRCh38, 1-based): chr7:73,683,631, G>A. VCF-style: chr7-73683631-G-A. GRCh37 (hg19) VCF-style: chr7-73097961-G-A.
Other names: c.6G>A, p.Ala2= (NM_001202560.3).
Identifiers: ClinVar variation 2657566 (VCV002657566.24), dbSNP rs782500549, ClinGen allele CA456052964.
Genomic context (GRCh38, chr7:73,683,631, plus strand): 5'-ATAAAAACCGGGTGCCGGCAGGCGCCAGTCGCAGGTGTGCTGCTGAGGCGTGAGAATGGC[G>A]TCCCGCGGCCGGCGTCCGGAGCATGGCGGACCCCCAGAGCTGGTAAGTCCCGGGGCCCGC-3'
Protein context (NP_059998.2, residues 1-12): M[Ala2=]SRGRRPEHGG